The following is an entry in ClinVar:

NM_001024630.4(RUNX2):c.902A>G (p.Gln301Arg)

Gene: RUNX2 (RUNX family transcription factor 2; plus strand). Cytogenetic location: 6p21.1.
Variant type: single nucleotide variant.
Coding change: c.902A>G on transcript NM_001024630.4 (MANE Select); coding-DNA position 902, A replaced by G.
Protein change: p.Gln301Arg; replaces glutamine 301 with arginine.
Molecular consequence: missense variant.
Genome position (GRCh38, 1-based): chr6:45,512,288, A>G. VCF-style: chr6-45512288-A-G. GRCh37 (hg19) VCF-style: chr6-45480025-A-G.
Other names: c.902A>G, p.Gln301Arg (NM_001015051.4); c.860A>G, p.Gln287Arg (NM_001278478.2, NM_001369405.1); short protein forms Q287R, Q301R.
Identifiers: ClinVar variation 4158254 (VCV004158254.2).
Genomic context (GRCh38, chr6:45,512,288, plus strand): 5'-TCTTTTTCTTTTTCCCAGACCCCAGGCAGGCACAGTCTTCCCCGCCGTGGTCCTATGACC[A>G]GTCTTACCCCTCCTACCTGAGCCAGATGACGTCCCCGTCCATCCACTCTACCACCCCGCT-3'
Protein context (NP_001019801.3, residues 291-311): AQSSPPWSYD[Gln301Arg]SYPSYLSQMT

ClinVar aggregate classification (germline): Uncertain significance. Review status: criteria provided, multiple submitters, no conflicts (2 of 4 stars). 2 submissions from 2 submitters: Uncertain significance (2). Last evaluated 2025-08-06.

Conditions:
Inborn genetic diseases. Identifiers: MedGen C0950123, MeSH D030342.

gnomAD v4.1: 5 of 1,614,082 alleles (0.00031%); highest among the groups gnomAD compares: Non-Finnish European, 0.00034%; no homozygotes.

Submissions (2):

Ambry Genetics
Classification: Uncertain significance for Inborn genetic diseases. Last evaluated: 2025-08-06. Review status: criteria provided, single submitter. Criteria: Ambry Variant Classification Scheme 2023. Collection method: clinical testing. Allele origin: germline.

Labcorp Genetics (formerly Invitae), Labcorp
Classification: Uncertain significance. Last evaluated: 2025-03-25. Review status: criteria provided, single submitter. Criteria: Invitae Variant Classification Sherloc (09022015). Collection method: clinical testing. Allele origin: germline.
Comment: This sequence change replaces glutamine, which is neutral and polar, with arginine, which is basic and polar, at codon 301 of the RUNX2 protein (p.Gln301Arg). This variant is present in population databases (rs779939748, gnomAD 0.002%). This variant has not been reported in the literature in individuals affected with RUNX2-related conditions. Invitae Evidence Modeling of protein sequence and biophysical properties (such as structural, functional, and spatial information, amino acid conservation, physicochemical variation, residue mobility, and thermodynamic stability) indicates that this missense variant is not expected to disrupt RUNX2 protein function with a negative predictive value of 80%. In summary, the available evidence is currently insufficient to determine the role of this variant in disease. Therefore, it has been classified as a Variant of Uncertain Significance.